The following is an entry in ClinVar:

NM_005518.4(HMGCS2):c.1093G>A (p.Asp365Asn)

Gene: HMGCS2 (3-hydroxy-3-methylglutaryl-CoA synthase 2; minus strand). Cytogenetic location: 1p12.
Variant type: single nucleotide variant.
Coding change: c.1093G>A on transcript NM_005518.4 (MANE Select); coding-DNA position 1093, G replaced by A.
Protein change: p.Asp365Asn; replaces aspartic acid 365 with asparagine.
Molecular consequence: missense variant.
Genome position (GRCh38, 1-based): chr1:119,755,521, C>T on the plus strand (G>A on the coding strand, the complement: HMGCS2 is on the minus strand). VCF-style: chr1-119755521-C-T. GRCh37 (hg19) VCF-style: chr1-120298144-C-T.
Other names: c.967G>A, p.Asp323Asn (NM_001166107.1); short protein forms D323N, D365N.
Identifiers: ClinVar variation 2065634 (VCV002065634.4), dbSNP rs767236647, ClinGen allele CA1037681.
Genomic context (GRCh38, chr1:119,755,521, plus strand): 5'-ATGAGGTGTACATGTTCCCATTGTGAGTGGAGAGGTAAAGGGAAGCCTTGGTTTTCTTGT[C>T]GAACATGTCCTGAGAGGCCTTTAGAAGTGCTTTATCCAGGTCCTTGTTGGTGTAGGTGTC-3'
Protein context (NP_005509.1, residues 355-375): ALLKASQDMF[Asp365Asn]KKTKASLYLS

ClinVar aggregate classification (germline): Uncertain significance (1 of 4 stars; one submission).

Conditions:
3-hydroxy-3-methylglutaryl-CoA synthase deficiency (HMGCS2D). Also called: HMG-CoA synthase-2 deficiency; MITOCHONDRIAL HMG-CoA SYNTHASE DEFICIENCY; HMGCS2 DEFICIENCY. Identifiers: Orphanet 35701, MedGen C2751532, MONDO:0011614, OMIM 605911.

Allele frequency attached by ClinVar (database versions not stated): ExAC 0.00001.

Submission:

Labcorp Genetics (formerly Invitae), Labcorp
Classification: Uncertain significance for 3-hydroxy-3-methylglutaryl-CoA synthase deficiency. Last evaluated: 2022-07-19. Review status: criteria provided, single submitter. Criteria: Invitae Variant Classification Sherloc (09022015). Collection method: clinical testing. Allele origin: germline.
Comment: In summary, the available evidence is currently insufficient to determine the role of this variant in disease. Therefore, it has been classified as a Variant of Uncertain Significance. Algorithms developed to predict the effect of missense changes on protein structure and function output the following: SIFT: "Tolerated"; PolyPhen-2: "Benign"; Align-GVGD: "Class C0". The asparagine amino acid residue is found in multiple mammalian species, which suggests that this missense change does not adversely affect protein function. This variant has not been reported in the literature in individuals affected with HMGCS2-related conditions. This variant is present in population databases (rs767236647, gnomAD 0.003%). This sequence change replaces aspartic acid, which is acidic and polar, with asparagine, which is neutral and polar, at codon 365 of the HMGCS2 protein (p.Asp365Asn).